The following is an entry in ClinVar:

NM_001382548.1(TCERG1):c.630G>A (p.Gln210=)

Gene: TCERG1 (transcription elongation regulator 1; plus strand). Cytogenetic location: 5q32.
Variant type: single nucleotide variant.
Coding change: c.630G>A on transcript NM_001382548.1 (MANE Select); coding-DNA position 630, G replaced by A.
Protein change: p.Gln210=; no amino-acid change (glutamine 210 retained).
Molecular consequence: synonymous variant. On other transcripts: non-coding transcript variant (52), intron variant (3).
Genome position (GRCh38, 1-based): chr5:146,459,075, G>A. VCF-style: chr5-146459075-G-A. GRCh37 (hg19) VCF-style: chr5-145838638-G-A.
Other names: c.630G>A, p.Gln210= (NM_001040006.2, NM_001400077.1, NM_001400084.1 and 7 more transcripts); c.573G>A, p.Gln191= (NM_001400082.1); c.570G>A, p.Gln190= (NM_001400092.1); c.594+36G>A (NM_001400098.1); c.577-25G>A (NM_001400083.1); c.558+72G>A (NM_001400096.1).
Identifiers: ClinVar variation 2655881 (VCV002655881.24), dbSNP rs1763097506, ClinGen allele CA447097808.
Genomic context (GRCh38, chr5:146,459,075, plus strand): 5'-GGCTCAGGCCCAGGCGCAGGCTCAGGCCCAGGCACAAGCTCAGGCCCAGGCTCAGGCTCA[G>A]GCCCAGGCCCAGGCCCAGGCCCAGGCCCAGGCCCAAGCCCAAGCCCAGGCCCAGGCTCAG-3'
Protein context (NP_001369477.1, residues 200-220): QAQAQAQAQA[Gln210=]AQAQAQAQAQ

ClinVar aggregate classification (germline): Likely benign (1 of 4 stars; one submission).

Submission:

CeGaT Center for Human Genetics Tuebingen
Classification: Likely benign. Last evaluated: 2023-02-01. Review status: criteria provided, single submitter. Criteria: CeGaT Center For Human Genetics Tuebingen Variant Classification Criteria Version 2. Collection method: clinical testing. Allele origin: germline. Affected: yes. Observed: 1 variant allele.
Comment: TCERG1: PM2:Supporting, BP4, BP7